The following is an entry in ClinVar:

NM_000875.5(IGF1R):c.3668G>A (p.Arg1223His)

Gene: IGF1R (insulin like growth factor 1 receptor; plus strand). Cytogenetic location: 15q26.3.
Variant type: single nucleotide variant.
Coding change: c.3668G>A on transcript NM_000875.5 (MANE Select); coding-DNA position 3668, G replaced by A.
Protein change: p.Arg1223His; replaces arginine 1223 with histidine.
Molecular consequence: missense variant.
Genome position (GRCh38, 1-based): chr15:98,948,654, G>A. VCF-style: chr15-98948654-G-A. GRCh37 (hg19) VCF-style: chr15-99491883-G-A.
Other names: c.3665G>A, p.Arg1222His (NM_001291858.2); short protein forms R1223H, R1222H.
Identifiers: ClinVar variation 2399547 (VCV002399547.4), dbSNP rs373732310, ClinGen allele CA7752750.

ClinVar aggregate classification (germline): Uncertain significance. Review status: criteria provided, multiple submitters, no conflicts (2 of 4 stars). 2 submissions from 2 submitters: Uncertain significance (2). Last evaluated 2025-01-13.

Conditions:
Inborn genetic diseases. Identifiers: MedGen C0950123, MeSH D030342.

Allele frequency attached by ClinVar (database versions not stated): gnomAD exomes 0.00001; ExAC 0.00003; gnomAD 0.00004; TOPMed 0.00004; ESP Exome Variant Server 0.00008.
gnomAD v4.1: 22 of 1,614,014 alleles (0.0014%); highest among the groups gnomAD compares: African/African-American, 0.0093%; no homozygotes.

Submissions (2):

Labcorp Genetics (formerly Invitae), Labcorp
Classification: Uncertain significance. Last evaluated: 2025-01-13. Review status: criteria provided, single submitter. Criteria: Invitae Variant Classification Sherloc (09022015). Collection method: clinical testing. Allele origin: germline.
Comment: This sequence change replaces arginine, which is basic and polar, with histidine, which is basic and polar, at codon 1223 of the IGF1R protein (p.Arg1223His). This variant is present in population databases (rs373732310, gnomAD 0.01%). This variant has not been reported in the literature in individuals affected with IGF1R-related conditions. ClinVar contains an entry for this variant (Variation ID: 2399547). Invitae Evidence Modeling of protein sequence and biophysical properties (such as structural, functional, and spatial information, amino acid conservation, physicochemical variation, residue mobility, and thermodynamic stability) indicates that this missense variant is not expected to disrupt IGF1R protein function with a negative predictive value of 80%. In summary, the available evidence is currently insufficient to determine the role of this variant in disease. Therefore, it has been classified as a Variant of Uncertain Significance.

Ambry Genetics
Classification: Uncertain significance for Inborn genetic diseases. Last evaluated: 2022-01-04. Review status: criteria provided, single submitter. Criteria: Ambry Variant Classification Scheme 2023. Collection method: clinical testing. Allele origin: germline.